The following is an entry in ClinVar:

NM_004425.4(ECM1):c.826C>T (p.Gln276Ter)

Gene: ECM1 (extracellular matrix protein 1; plus strand). Cytogenetic location: 1q21.2.
Variant type: single nucleotide variant.
Coding change: c.826C>T on transcript NM_004425.4 (MANE Select); coding-DNA position 826, C replaced by T.
Protein change: p.Gln276Ter; replaces glutamine 276 with a stop codon.
Molecular consequence: nonsense. On other transcripts: intron variant (1).
Genome position (GRCh38, 1-based): chr1:150,511,574, C>T. VCF-style: chr1-150511574-C-T. GRCh37 (hg19) VCF-style: chr1-150484050-C-T.
Other names: c.907C>T, p.Gln303Ter (NM_001202858.2); c.708+376C>T (NM_022664.3); short protein forms Q276*, Q303*.
Identifiers: ClinVar variation 222944 (VCV000222944.4), dbSNP rs869025563, ClinGen allele CA356965.

ClinVar aggregate classification (germline): not provided (0 of 4 stars; one submission).

Conditions:
Lipid proteinosis. Also called: lipoid proteinosis; Lipoid Proteinosis of Urbach and Wiethe; Urbach Wiethe disease; HYALINOSIS CUTIS ET MUCOSAE. Identifiers: Orphanet 530, MedGen C0023795, MONDO:0009530, OMIM 247100.

Allele frequency attached by ClinVar (database versions not stated): gnomAD exomes below 0.00001.
gnomAD v4.1: 3 of 1,614,190 alleles (0.00019%); no homozygotes.

Submission:

GeneReviews
No classification provided. Condition: Lipid proteinosis. Review status: no classification provided. Collection method: literature only. Allele origin: germline.
Comment: South African founder variant [Hamada 2002, Van Hougenhouck-Tulleken et al 2004]

Literature cited by the submitters: PubMed 12472532; PubMed 15327549; PubMed 26803878.